The following is an entry in ClinVar:

NM_020771.4(HACE1):c.1461A>T (p.Leu487Phe)

Gene: HACE1 (HECT domain and ankyrin repeat containing E3 ubiquitin protein ligase 1; minus strand). Cytogenetic location: 6q16.3.
Variant type: single nucleotide variant.
Coding change: c.1461A>T on transcript NM_020771.4 (MANE Select); coding-DNA position 1461, A replaced by T.
Protein change: p.Leu487Phe; replaces leucine 487 with phenylalanine.
Molecular consequence: missense variant. On other transcripts: non-coding transcript variant (7).
Genome position (GRCh38, 1-based): chr6:104,784,434, T>A on the plus strand (A>T on the coding strand, the complement: HACE1 is on the minus strand). VCF-style: chr6-104784434-T-A. GRCh37 (hg19) VCF-style: chr6-105232309-T-A.
Other names: c.1329A>T, p.Leu443Phe (NM_001321080.2); c.1359A>T, p.Leu453Phe (NM_001321083.2); c.957A>T, p.Leu319Phe (NM_001321084.2, NM_001350557.2, NM_001350558.2); c.1227A>T, p.Leu409Phe (NM_001350554.2); c.1170A>T, p.Leu390Phe (NM_001350555.2); c.975A>T, p.Leu325Phe (NM_001350556.2); c.879A>T, p.Leu293Phe (NM_001350559.2); c.678A>T, p.Leu226Phe (NM_001350560.2); short protein forms L409F, L443F, L453F, L487F, L293F, L325F, L319F, L226F.
Identifiers: ClinVar variation 1926268 (VCV001926268.5), dbSNP rs2483247095, ClinGen allele CA365135938.

ClinVar aggregate classification (germline): Uncertain significance (1 of 4 stars; one submission).

Submission:

Labcorp Genetics (formerly Invitae), Labcorp
Classification: Uncertain significance. Last evaluated: 2022-02-10. Review status: criteria provided, single submitter. Criteria: Invitae Variant Classification Sherloc (09022015). Collection method: clinical testing. Allele origin: germline.
Comment: In summary, the available evidence is currently insufficient to determine the role of this variant in disease. Therefore, it has been classified as a Variant of Uncertain Significance. Algorithms developed to predict the effect of missense changes on protein structure and function are either unavailable or do not agree on the potential impact of this missense change (SIFT: "Deleterious"; PolyPhen-2: "Benign"; Align-GVGD: "Class C15"). This variant has not been reported in the literature in individuals affected with HACE1-related conditions. This variant is not present in population databases (gnomAD no frequency). This sequence change replaces leucine, which is neutral and non-polar, with phenylalanine, which is neutral and non-polar, at codon 487 of the HACE1 protein (p.Leu487Phe).